The following is an entry in ClinVar:

ClinVar aggregate classification (germline): Uncertain significance (1 of 4 stars; one submission).

Conditions:
Hereditary cancer-predisposing syndrome. Also called: Hereditary neoplastic syndrome; Neoplastic Syndromes, Hereditary; Tumor predisposition; Hereditary Cancer Syndrome. Identifiers: Orphanet 140162, MedGen C0027672, MeSH D009386, MONDO:0015356.

Submission:

Ambry Genetics
Classification: Uncertain significance for Hereditary cancer-predisposing syndrome. Last evaluated: 2025-08-27. Review status: criteria provided, single submitter. Criteria: Ambry Variant Classification Scheme 2023. Collection method: clinical testing. Allele origin: germline.
Comment: The p.L305R variant (also known as c.914T>G), located in coding exon 10 of the MUTYH gene, results from a T to G substitution at nucleotide position 914. The leucine at codon 305 is replaced by arginine, an amino acid with dissimilar properties. This amino acid position is conserved. In addition, this alteration is predicted to be deleterious by in silico analysis. Based on the available evidence, the clinical significance of this variant remains unclear.

NM_001048174.2(MUTYH):c.830T>G (p.Leu277Arg)

Gene: MUTYH (mutY DNA glycosylase; minus strand). Cytogenetic location: 1p34.1.
Variant type: single nucleotide variant.
Coding change: c.830T>G on transcript NM_001048174.2 (MANE Select); coding-DNA position 830, T replaced by G.
Protein change: p.Leu277Arg; replaces leucine 277 with arginine.
Molecular consequence: missense variant. On other transcripts: non-coding transcript variant (7).
Genome position (GRCh38, 1-based): chr1:45,332,185, A>C on the plus strand (T>G on the coding strand, the complement: MUTYH is on the minus strand). VCF-style: chr1-45332185-A-C. GRCh37 (hg19) VCF-style: chr1-45797857-A-C.
Other names: c.830T>G, p.Leu277Arg (NM_001407070.1, NM_001407072.1, NM_001407073.1 and 6 more transcripts); c.833T>G, p.Leu278Arg (NM_001407071.1, NM_001407078.1, NM_001048172.2 and 1 more transcripts); c.746T>G, p.Leu249Arg (NM_001407075.1); c.863T>G, p.Leu288Arg (NM_001407077.1, NM_001293191.2, NM_001407069.1); c.791T>G, p.Leu264Arg (NM_001407079.1); c.788T>G, p.Leu263Arg (NM_001407080.1); c.914T>G, p.Leu305Arg (NM_001128425.2); c.875T>G, p.Leu292Arg (NM_001293190.2); and 5 more; short protein forms L185R, L249R, L277R, L278R, L302R, L288R, L291R, L292R.
Identifiers: ClinVar variation 4113904 (VCV004113904.1).